The following is an entry in ClinVar:

ClinVar aggregate classification (germline): Uncertain significance. Review status: criteria provided, multiple submitters, no conflicts (2 of 4 stars). 2 submissions from 2 submitters: Uncertain significance (2). Last evaluated 2025-06-17.

gnomAD v4.1: 6 of 1,613,964 alleles (0.00037%); highest among the groups gnomAD compares: African/African-American, 0.0027%; no homozygotes.

Submissions (2):

Ambry Genetics
Classification: Uncertain significance. Last evaluated: 2025-06-17. Review status: criteria provided, single submitter. Criteria: Ambry Variant Classification Scheme 2023. Collection method: clinical testing. Allele origin: germline.

Labcorp Genetics (formerly Invitae), Labcorp
Classification: Uncertain significance. Last evaluated: 2023-03-18. Review status: criteria provided, single submitter. Criteria: Invitae Variant Classification Sherloc (09022015). Collection method: clinical testing. Allele origin: germline.
Comment: In summary, the available evidence is currently insufficient to determine the role of this variant in disease. Therefore, it has been classified as a Variant of Uncertain Significance. Advanced modeling of protein sequence and biophysical properties (such as structural, functional, and spatial information, amino acid conservation, physicochemical variation, residue mobility, and thermodynamic stability) performed at Invitae indicates that this missense variant is expected to disrupt NFE2L2 protein function. This variant has not been reported in the literature in individuals affected with NFE2L2-related conditions. This variant is not present in population databases (gnomAD no frequency). This sequence change replaces alanine, which is neutral and non-polar, with glycine, which is neutral and non-polar, at codon 496 of the NFE2L2 protein (p.Ala496Gly).

NM_006164.5(NFE2L2):c.1487C>G (p.Ala496Gly)

Gene: NFE2L2 (NFE2 like bZIP transcription factor 2; minus strand). Cytogenetic location: 2q31.2.
Variant type: single nucleotide variant.
Coding change: c.1487C>G on transcript NM_006164.5 (MANE Select); coding-DNA position 1487, C replaced by G.
Protein change: p.Ala496Gly; replaces alanine 496 with glycine.
Molecular consequence: missense variant.
Genome position (GRCh38, 1-based): chr2:177,231,116, G>C on the plus strand (C>G on the coding strand, the complement: NFE2L2 is on the minus strand). VCF-style: chr2-177231116-G-C. GRCh37 (hg19) VCF-style: chr2-178095844-G-C.
Other names: c.1439C>G, p.Ala480Gly (NM_001145412.3, NM_001313900.1, NM_001313901.1); c.1418C>G, p.Ala473Gly (NM_001145413.3); c.1397C>G, p.Ala466Gly (NM_001313902.2); c.1268C>G, p.Ala423Gly (NM_001313903.2); c.1187C>G, p.Ala396Gly (NM_001313904.1); c.1487C>G (NM_006164.3); short protein forms A423G, A480G, A496G, A473G, A396G, A466G.
Identifiers: ClinVar variation 2958647 (VCV002958647.4), dbSNP rs756129717, ClinGen allele CA349368406.